The following is an entry in ClinVar:

NM_015295.3(SMCHD1):c.1532G>A (p.Gly511Asp)

Gene: SMCHD1 (structural maintenance of chromosomes flexible hinge domain containing 1; plus strand). Cytogenetic location: 18p11.32.
Variant type: single nucleotide variant.
Coding change: c.1532G>A on transcript NM_015295.3 (MANE Select); coding-DNA position 1532, G replaced by A.
Protein change: p.Gly511Asp; replaces glycine 511 with aspartic acid.
Molecular consequence: missense variant.
Genome position (GRCh38, 1-based): chr18:2,700,803, G>A. VCF-style: chr18-2700803-G-A. GRCh37 (hg19) VCF-style: chr18-2700801-G-A.
Other names: short protein forms G511D.
Identifiers: ClinVar variation 1998264 (VCV001998264.4), dbSNP rs2510027822, ClinGen allele CA401699802.
Genomic context (GRCh38, chr18:2,700,803, plus strand): 5'-GGTGTACTCCTCCTAAGAAGAGAGGGCTTGCACCAATTGAATGCTACAATAGGATATCTG[G>A]TGCATTATTCACTAATGACAAATTCCAGGTCAGCACAAATAAATTGACGTTTATGGATCT-3'
Protein context (NP_056110.2, residues 501-521): APIECYNRIS[Gly511Asp]ALFTNDKFQV

ClinVar aggregate classification (germline): Uncertain significance (1 of 4 stars; one submission).

Conditions:
Facioscapulohumeral muscular dystrophy 2 (FSHD2). Also called: MUSCULAR DYSTROPHY, FACIOSCAPULOHUMERAL, TYPE 1B; FACIOSCAPULOHUMERAL MUSCULAR DYSTROPHY 2, DIGENIC; FSHD2, DIGENIC. Identifiers: Orphanet 269, MedGen C1834671, MONDO:0008031, OMIM 158901.

Submission:

Labcorp Genetics (formerly Invitae), Labcorp
Classification: Uncertain significance for Facioscapulohumeral muscular dystrophy 2. Last evaluated: 2024-10-21. Review status: criteria provided, single submitter. Criteria: Invitae Variant Classification Sherloc (09022015). Collection method: clinical testing. Allele origin: germline.
Comment: This sequence change replaces glycine, which is neutral and non-polar, with aspartic acid, which is acidic and polar, at codon 511 of the SMCHD1 protein (p.Gly511Asp). This variant is not present in population databases (gnomAD no frequency). This variant has not been reported in the literature in individuals affected with SMCHD1-related conditions. ClinVar contains an entry for this variant (Variation ID: 1998264). Invitae Evidence Modeling of protein sequence and biophysical properties (such as structural, functional, and spatial information, amino acid conservation, physicochemical variation, residue mobility, and thermodynamic stability) indicates that this missense variant is expected to disrupt SMCHD1 protein function with a positive predictive value of 80%. In summary, the available evidence is currently insufficient to determine the role of this variant in disease. Therefore, it has been classified as a Variant of Uncertain Significance.